The following is an entry in ClinVar:

NM_173477.5(USH1G):c.85dup (p.Asp29fs)

Gene: USH1G (USH1 protein network component sans; minus strand). Cytogenetic location: 17q25.1.
Variant type: Duplication.
Coding change: c.85dup on transcript NM_173477.5 (MANE Select); coding-DNA position 85, one base duplicated (G; older notation c.85dupG).
Protein change: p.Asp29fs; shifts the reading frame from aspartic acid 29.
Molecular consequence: frameshift variant. On other transcripts: 5 prime UTR variant (1).
Genome position (GRCh38, 1-based): chr17:74,922,989, C duplicated on the plus strand (G on the coding strand, the reverse complement: USH1G is on the minus strand). VCF-style (leftmost placement, unchanged base first): chr17-74922988-T-TC. GRCh37 (hg19) VCF-style: chr17-72919083-T-TC.
Other names: c.-172dup (NM_001282489.3); short protein forms D29fs.
Identifiers: ClinVar variation 2445662 (VCV002445662.1), dbSNP rs2544435572, ClinGen allele CA2580095149.
Genomic context (GRCh38, chr17:74,922,988, plus strand): 5'-CGCAGCGACTCGAGGTTGCCATGGTAGGCAGCCCAGAGAGTGGGGGTCATGCCATCCTCG[T>TC]CGGGGGCATTCAGCTCCTTTCGGGTGGCCTCCTTGAGGAGCTCCAGGTAGCCATCCCGGG-3'

ClinVar aggregate classification (germline): Pathogenic (1 of 4 stars; one submission).

Conditions:
Usher syndrome type 1G. Also called: USHER SYNDROME, TYPE IG, MILD. Identifiers: Orphanet 231169, Orphanet 886, MedGen C1847089, MONDO:0011748, OMIM 606943.

Submission:

King Laboratory, University of Washington
Classification: Pathogenic for Usher syndrome type 1G. Last evaluated: 2023-02-28. Review status: criteria provided, single submitter. Criteria: Li et al. (Genet Med. 2022). Collection method: research. Allele origin: unknown. Affected: yes.
Comment: This patient’s family has no other history of hearing loss. This is a single base pair duplication that leads to frameshift which is predicted to lead to a premature stop at codon 57 of the 461-amino acid protein. As of January 2023, this variant has not been reported to ClinVar and is not found on gnomAD. Based on the prediction that this variant leads to a truncated protein, compound heterozygosity with a loss-of-function variant, and goodness of fit of genotype to phenotype, we conclude that this variant is pathogenic.

Literature cited by the submitters: PubMed 36633841.